The following is an entry in ClinVar:

ClinVar aggregate classification (germline): Pathogenic. Review status: criteria provided, single submitter (1 of 4 stars). 2 submissions from 2 submitters: Pathogenic (1). 1 of the submissions does not count toward it. Last evaluated 2025-08-04.

Conditions:
Familial Interstitial Pneumonia.
Pulmonary fibrosis. Identifiers: MedGen C0034069, MONDO:0002771, HP:0002206.
Dyskeratosis congenita, autosomal recessive 6 (DKCB6). Identifiers: MedGen C4225356, MONDO:0014600, OMIM 616353.
Pulmonary fibrosis and/or bone marrow failure, Telomere-related, 4. Also called: PULMONARY FIBROSIS AND/OR BONE MARROW FAILURE SYNDROME, TELOMERE-RELATED, 4. Identifiers: Orphanet 2032, MedGen C4225347, MONDO:0014612, OMIM 616371.

Submissions (2):

Labcorp Genetics (formerly Invitae), Labcorp
Classification: Pathogenic for Dyskeratosis congenita, autosomal recessive 6; Pulmonary fibrosis and/or bone marrow failure, Telomere-related, 4. Last evaluated: 2025-08-04. Review status: criteria provided, single submitter. Criteria: Invitae Variant Classification Sherloc (09022015). Collection method: clinical testing. Allele origin: germline.
Comment: This sequence change creates a premature translational stop signal (p.Phe419Leufs*7) in the PARN gene. It is expected to result in an absent or disrupted protein product. Loss-of-function variants in PARN are known to be pathogenic (PMID: 9736620, 25848748, 26810774). This variant is not present in population databases (gnomAD no frequency). This premature translational stop signal has been observed in individual(s) with pulmonary fibrosis (PMID: 28414520). This variant is also known as c.1251delT. ClinVar contains an entry for this variant (Variation ID: 834007). For these reasons, this variant has been classified as Pathogenic.

University of Washington Center for Mendelian Genomics, University of Washington
Classification: Likely pathogenic for Pulmonary Fibrosis; Familial Interstitial Pneumonia. Review status: no assertion criteria provided. Collection method: research. Allele origin: inherited. Affected: yes. Not counted in ClinVar's aggregate classification.

Literature cited by the submitters: PubMed 9736620 (cited by Labcorp Genetics (formerly Invitae), Labcorp); PubMed 25848748 (cited by Labcorp Genetics (formerly Invitae), Labcorp); PubMed 26810774 (cited by Labcorp Genetics (formerly Invitae), Labcorp); PubMed 28414520 (cited by Labcorp Genetics (formerly Invitae), Labcorp and University of Washington Center for Mendelian Genomics, University of Washington).

NM_002582.4(PARN):c.1257del (p.Phe419fs)

Gene: PARN (poly(A)-specific ribonuclease; minus strand). Cytogenetic location: 16p13.12.
Variant type: Deletion.
Coding change: c.1257del on transcript NM_002582.4 (MANE Select); coding-DNA position 1257, one base deleted (T; older notation c.1257delT).
Protein change: p.Phe419fs; shifts the reading frame from phenylalanine 419.
Molecular consequence: frameshift variant.
Genome position (GRCh38, 1-based): chr16:14,580,879, A deleted on the plus strand (T on the coding strand, the reverse complement: PARN is on the minus strand); the first of 7 consecutive A bases (chr16:14,580,879-14,580,885); deleting any one gives the same sequence. VCF-style (leftmost placement, unchanged base first): chr16-14580878-TA-T. GRCh37 (hg19) VCF-style: chr16-14674735-TA-T.
Other names: c.1251delT (NM_002582.4); c.1074del, p.Phe358fs (NM_001134477.3); c.1119del, p.Phe373fs (NM_001242992.2); short protein forms F358fs, F373fs, F419fs.
Identifiers: ClinVar variation 834007 (VCV000834007.9), dbSNP rs942538351, ClinGen allele CA278533739.
Genomic context (GRCh38, chr16:14,580,878, plus strand): 5'-TATGAGGCTGTTCCACAGTGAGAGAACTTGGAAACTGGAACTCTCTGATTACTTACTTGT[TA>T]AAAAAAGGTTCAATGAGTTTTGATCTGGCAGACACATGAATTTTTGGAGGGCTGAGAAAA-3'